The following is an entry in ClinVar:

NM_000465.4(BARD1):c.983T>G (p.Leu328Arg)

Gene: BARD1 (BRCA1 associated RING domain 1; minus strand). Cytogenetic location: 2q35.
Variant type: single nucleotide variant.
Coding change: c.983T>G on transcript NM_000465.4 (MANE Select); coding-DNA position 983, T replaced by G.
Protein change: p.Leu328Arg; replaces leucine 328 with arginine.
Molecular consequence: missense variant. On other transcripts: non-coding transcript variant (2), intron variant (3).
Genome position (GRCh38, 1-based): chr2:214,780,891, A>C on the plus strand (T>G on the coding strand, the complement: BARD1 is on the minus strand). VCF-style: chr2-214780891-A-C. GRCh37 (hg19) VCF-style: chr2-215645615-A-C.
Other names: c.983T>G (NM_000465.2); c.926T>G, p.Leu309Arg (NM_001282543.2); c.159-28336T>G (NM_001282548.2); c.215+16170T>G (NM_001282545.2); c.364+11406T>G (NM_001282549.2); short protein forms L309R, L328R.
Identifiers: ClinVar variation 2503506 (VCV002503506.3), dbSNP rs2469505728, ClinGen allele CA350454540.

ClinVar aggregate classification (germline): Uncertain significance. Review status: criteria provided, multiple submitters, no conflicts (2 of 4 stars). 3 submissions from 3 submitters: Uncertain significance (3). Last evaluated 2025-04-23.

Conditions:
Hereditary cancer-predisposing syndrome. Also called: Hereditary Cancer Syndrome; Hereditary neoplastic syndrome; Neoplastic Syndromes, Hereditary; Tumor predisposition. Identifiers: Orphanet 140162, MedGen C0027672, MeSH D009386, MONDO:0015356.
Familial cancer of breast. Also called: hereditary breast carcinoma; Hereditary breast cancer; BREAST CANCER, FAMILIAL. Identifiers: Orphanet 227535, MedGen C0346153, MONDO:0016419, OMIM 114480. Disease mechanism: loss of function.

Submissions (3):

Labcorp Genetics (formerly Invitae), Labcorp
Classification: Uncertain significance for Familial cancer of breast. Last evaluated: 2025-04-23. Review status: criteria provided, single submitter. Criteria: Invitae Variant Classification Sherloc (09022015). Collection method: clinical testing. Allele origin: germline.
Comment: This sequence change replaces leucine, which is neutral and non-polar, with arginine, which is basic and polar, at codon 328 of the BARD1 protein (p.Leu328Arg). This variant is not present in population databases (gnomAD no frequency). This variant has not been reported in the literature in individuals affected with BARD1-related conditions. ClinVar contains an entry for this variant (Variation ID: 2503506). An algorithm developed to predict the effect of missense changes on protein structure and function outputs the following: PolyPhen-2: "Benign". The arginine amino acid residue is found in multiple mammalian species, which suggests that this missense change does not adversely affect protein function. In summary, the available evidence is currently insufficient to determine the role of this variant in disease. Therefore, it has been classified as a Variant of Uncertain Significance.

Ambry Genetics
Classification: Uncertain significance for Hereditary cancer-predisposing syndrome. Last evaluated: 2024-11-26. Review status: criteria provided, single submitter. Criteria: Ambry Variant Classification Scheme 2023. Collection method: clinical testing. Allele origin: germline.
Comment: The p.L328R variant (also known as c.983T>G), located in coding exon 4 of the BARD1 gene, results from a T to G substitution at nucleotide position 983. The leucine at codon 328 is replaced by arginine, an amino acid with dissimilar properties. This amino acid position is conserved. In addition, this alteration is predicted to be tolerated by in silico analysis. Based on the available evidence, the clinical significance of this variant remains unclear.

St. Jude Molecular Pathology, St. Jude Children's Research Hospital
Classification: Uncertain significance for Familial cancer of breast. Last evaluated: 2023-05-12. Review status: criteria provided, single submitter. Criteria: St. Jude Assertion Criteria 2020. Collection method: clinical testing. Allele origin: germline.
Comment: The BARD1 c.1835A>T (p.Asp612Val) missense chis absent in gnomAD v2.1.1. The in silico tool REVEL predicts a benign effect on protein function, but to our knowledge this prediction has not been confirmed by functional studies. This variant is absent in a database of women older than 70 years of age who have never had cancer (FLOSSIES). To our knowledge, this variant has not been reported in individuals with BARD1-associated diseases. In summary, the evidence currently available is insufficient to determine the clinical significance of this variant. It has therefore been classified as of uncertain significance.